The following is an entry in ClinVar:

ClinVar aggregate classification (germline): Pathogenic (1 of 4 stars; one submission).

Conditions:
Intellectual disability, CASK-related, X-linked. Identifiers: MedGen CN043158.

Submission:

Labcorp Genetics (formerly Invitae), Labcorp
Classification: Pathogenic for Intellectual disability, CASK-related, X-linked. Last evaluated: 2022-04-04. Review status: criteria provided, single submitter. Criteria: Invitae Variant Classification Sherloc (09022015). Collection method: clinical testing. Allele origin: germline.
Comment: For these reasons, this variant has been classified as Pathogenic. This variant has not been reported in the literature in individuals affected with CASK-related conditions. This variant is not present in population databases (gnomAD no frequency). This sequence change creates a premature translational stop signal (p.Trp203*) in the CASK gene. It is expected to result in an absent or disrupted protein product. Loss-of-function variants in CASK are known to be pathogenic (PMID: 19165920, 20029458, 21954287, 22452838, 22709267).

Literature cited by the submitters: PubMed 19165920; PubMed 20029458; PubMed 21954287; PubMed 22452838; PubMed 22709267.

NM_001367721.1(CASK):c.608G>A (p.Trp203Ter)

Gene: CASK (calcium/calmodulin dependent serine protein kinase; minus strand). Cytogenetic location: Xp11.4.
Variant type: single nucleotide variant.
Coding change: c.608G>A on transcript NM_001367721.1 (MANE Select); coding-DNA position 608, G replaced by A.
Protein change: p.Trp203Ter; replaces tryptophan 203 with a stop codon.
Molecular consequence: nonsense.
Genome position (GRCh38, 1-based): chrX:41,665,377, C>T on the plus strand (G>A on the coding strand, the complement: CASK is on the minus strand). VCF-style: chrX-41665377-C-T. GRCh37 (hg19) VCF-style: chrX-41524630-C-T.
Other names: c.608G>A, p.Trp203Ter (NM_001126054.3, NM_001126055.3, NM_001410745.1 and 1 more transcripts); short protein forms W203*.
Identifiers: ClinVar variation 2121448 (VCV002121448.4), dbSNP rs2519215974, ClinGen allele CA412998162.
Genomic context (GRCh38, chrX:41,665,377, plus strand): 5'-TTGGTTCCGTAAAAAGGCAAACAACCACTGAGCAGGATAAAAAGGATCACACCGCACCCC[C>T]AGACGTCTACAGGCTTTCCGTAAGGCTCTCTTTTGACCACTTCTGGTGCCATAAAATGAG-3'